The following is an entry in ClinVar:

NM_003105.6(SORL1):c.595G>C (p.Gly199Arg)

Gene: SORL1 (sortilin related receptor 1; plus strand). Cytogenetic location: 11q24.1.
Variant type: single nucleotide variant.
Coding change: c.595G>C on transcript NM_003105.6 (MANE Select); coding-DNA position 595, G replaced by C.
Protein change: p.Gly199Arg; replaces glycine 199 with arginine.
Molecular consequence: missense variant.
Genome position (GRCh38, 1-based): chr11:121,488,098, G>C. VCF-style: chr11-121488098-G-C. GRCh37 (hg19) VCF-style: chr11-121358807-G-C.
Other names: short protein forms G199R.
Identifiers: ClinVar variation 1463579 (VCV001463579.8), dbSNP rs2134811128, ClinGen allele CA383285807.

ClinVar aggregate classification (germline): Uncertain significance (1 of 4 stars; one submission).

Submission:

Labcorp Genetics (formerly Invitae), Labcorp
Classification: Uncertain significance. Last evaluated: 2021-06-07. Review status: criteria provided, single submitter. Criteria: Invitae Variant Classification Sherloc (09022015). Collection method: clinical testing. Allele origin: germline.
Comment: This sequence change replaces glycine with arginine at codon 199 of the SORL1 protein (p.Gly199Arg). The glycine residue is moderately conserved and there is a moderate physicochemical difference between glycine and arginine. This variant is not present in population databases (ExAC no frequency). This variant has not been reported in the literature in individuals with SORL1-related conditions. Algorithms developed to predict the effect of missense changes on protein structure and function are either unavailable or do not agree on the potential impact of this missense change (SIFT: "Tolerated"; PolyPhen-2: "Probably Damaging"; Align-GVGD: "Class C0"). In summary, the available evidence is currently insufficient to determine the role of this variant in disease. Therefore, it has been classified as a Variant of Uncertain Significance.